The following is an entry in ClinVar:

ClinVar aggregate classification (germline): other (0 of 4 stars; one submission).

Conditions:
Familial colorectal cancer. Identifiers: MedGen CN280943, MONDO:0023113. Disease mechanism: loss of function.

Submission:

Systems Biology Platform Zhejiang California International NanoSystems Institute
Classification: other for Familial colorectal cancer. Review status: no assertion criteria provided. Collection method: not provided. Allele origin: unknown.
ClinVar note: Converted during submission from cancer to other.

NM_000038.6(APC):c.135+3581G>C

Gene: APC (APC regulator of WNT signaling pathway; plus strand). Cytogenetic location: 5q22.2.
Variant type: single nucleotide variant.
Coding change: c.135+3581G>C on transcript NM_000038.6 (MANE Select); 3581 bases into the intron after coding-DNA position 135, G replaced by C.
Molecular consequence: intron variant.
Genome position (GRCh38, 1-based): chr5:112,758,606, G>C. VCF-style: chr5-112758606-G-C. GRCh37 (hg19) VCF-style: chr5-112094303-G-C.
Other names: c.135+3581G>C (NM_001354895.2, NM_001127510.3, NM_001354896.2 and 2 more transcripts); c.166-7720G>C (NM_001354897.2, NM_001354902.2, NM_001127511.3); c.61-7720G>C (NM_001354898.2, NM_001354904.2); c.-901+3581G>C (NM_001354906.2); c.-42-7720G>C (NM_001354900.2, NM_001354901.2, NM_001354905.2).
Identifiers: ClinVar variation 82367 (VCV000082367.2), dbSNP rs79193737, ClinGen allele CA004310.